The following is an entry in ClinVar:

ClinVar aggregate classification (germline): Benign (1 of 4 stars; one submission).

Allele frequency attached by ClinVar (database versions not stated): 1000 Genomes Project 0.00220; 1000 Genomes Project 30x 0.00250; ESP Exome Variant Server 0.00587; TOPMed 0.00683; ExAC 0.00763; gnomAD 0.00815; gnomAD exomes 0.01124.
gnomAD v4.1: 16,792 of 1,540,994 alleles (1.1%); highest among the groups gnomAD compares: Non-Finnish European, 1.3%; 118 homozygotes.

Submission:

CeGaT Center for Human Genetics Tuebingen
Classification: Benign. Last evaluated: 2024-04-01. Review status: criteria provided, single submitter. Criteria: CeGaT Center For Human Genetics Tuebingen Variant Classification Criteria Version 2. Collection method: clinical testing. Allele origin: germline. Affected: yes. Observed: 1 variant allele.
Comment: LRRC14B: BS1, BS2

NM_001080478.3(LRRC14B):c.499G>A (p.Gly167Ser)

Gene: LRRC14B (leucine rich repeat containing 14B; plus strand). Cytogenetic location: 5p15.33.
Variant type: single nucleotide variant.
Coding change: c.499G>A on transcript NM_001080478.3 (MANE Select); coding-DNA position 499, G replaced by A.
Protein change: p.Gly167Ser; replaces glycine 167 with serine.
Molecular consequence: missense variant.
Genome position (GRCh38, 1-based): chr5:192,037, G>A. VCF-style: chr5-192037-G-A. GRCh37 (hg19) VCF-style: chr5-192152-G-A.
Other names: short protein forms G167S.
Identifiers: ClinVar variation 3234154 (VCV003234154.20), dbSNP rs140234009, ClinGen allele CA3172151.